The following is an entry in ClinVar:

NM_003873.7(NRP1):c.723C>T (p.Gly241=)

Gene: NRP1 (neuropilin 1; minus strand). Cytogenetic location: 10p11.22.
Variant type: single nucleotide variant.
Coding change: c.723C>T on transcript NM_003873.7 (MANE Select); coding-DNA position 723, C replaced by T.
Protein change: p.Gly241=; no amino-acid change (glycine 241 retained).
Molecular consequence: synonymous variant. On other transcripts: non-coding transcript variant (1).
Genome position (GRCh38, 1-based): chr10:33,256,407, G>A on the plus strand (C>T on the coding strand, the complement: NRP1 is on the minus strand). VCF-style: chr10-33256407-G-A. GRCh37 (hg19) VCF-style: chr10-33545335-G-A.
Other names: c.723C>T, p.Gly241= (NM_001024628.3, NM_001024629.3, NM_001244972.2 and 2 more transcripts).
Identifiers: ClinVar variation 3350149 (VCV003350149.1).

ClinVar aggregate classification (germline): Likely benign (0 of 4 stars; one submission).

Conditions:
NRP1-related disorder. Also called: NRP1-related condition.

gnomAD v4.1: 1 of 1,614,170 alleles (0.000062%); no homozygotes.

Submission:

PreventionGenetics, part of Exact Sciences
Classification: Likely benign for NRP1-related condition. Last evaluated: 2023-09-08. Review status: no assertion criteria provided. Collection method: clinical testing. Allele origin: germline.
Comment: This variant is classified as likely benign based on ACMG/AMP sequence variant interpretation guidelines (Richards et al. 2015 PMID: 25741868, with internal and published modifications).